The following is an entry in ClinVar:

ClinVar aggregate classification (germline): Benign (1 of 4 stars; one submission).

Conditions:
Disorders of Intracellular Cobalamin Metabolism. Identifiers: MedGen CN043592.

Allele frequency attached by ClinVar (database versions not stated): gnomAD 0.00179 and 0.00189; TOPMed 0.00202; 1000 Genomes Project 0.00260; 1000 Genomes Project 30x 0.00375.
gnomAD v4.1: 280 of 213,462 alleles (0.13%); highest among the groups gnomAD compares: African/African-American, 0.64%; 4 homozygotes.

Submission:

Illumina Laboratory Services, Illumina
Classification: Benign for Disorders of Intracellular Cobalamin Metabolism. Last evaluated: 2017-12-19. Review status: criteria provided, single submitter. Criteria: ICSL Variant Classification Criteria 13 December 2019. Collection method: clinical testing. Allele origin: germline.
Comment: This variant was observed as part of a predisposition screen in an ostensibly healthy population. A literature search was performed for the gene, cDNA change, and amino acid change (where applicable). No publications were found based on this search. Allele frequency data from public databases was too high to be consistent with this variant causing disease. Therefore, this variant is classified as benign.

NM_002454.3(MTRR):c.*401T>C

Gene: MTRR (5-methyltetrahydrofolate-homocysteine methyltransferase reductase; plus strand). Cytogenetic location: 5p15.31.
Variant type: single nucleotide variant.
Coding change: c.*401T>C on transcript NM_002454.3 (MANE Select); 401 bases downstream of the stop codon, T replaced by C.
Molecular consequence: 3 prime UTR variant. On other transcripts: non-coding transcript variant (14).
Genome position (GRCh38, 1-based): chr5:7,900,459, T>C. VCF-style: chr5-7900459-T-C. GRCh37 (hg19) VCF-style: chr5-7900572-T-C.
Other names: c.*401T>C (NM_001364440.2, NM_001364441.2, NM_001364442.2 and 1 more transcripts).
Identifiers: ClinVar variation 904710 (VCV000904710.4), dbSNP rs148477709, ClinGen allele CA113818787.